The following is an entry in ClinVar:

NM_000455.5(STK11):c.264C>A (p.Ile88=)

Gene: STK11 (serine/threonine kinase 11; plus strand). Cytogenetic location: 19p13.3.
Variant type: single nucleotide variant.
Coding change: c.264C>A on transcript NM_000455.5 (MANE Select); coding-DNA position 264, C replaced by A.
Protein change: p.Ile88=; no amino-acid change (isoleucine 88 retained).
Molecular consequence: synonymous variant.
Genome position (GRCh38, 1-based): chr19:1,207,177, C>A. VCF-style: chr19-1207177-C-A. GRCh37 (hg19) VCF-style: chr19-1207176-C-A.
Other names: p.Ile88=.
Identifiers: ClinVar variation 93097 (VCV000093097.52), dbSNP rs56354945, ClinGen allele CA022762.

ClinVar aggregate classification (germline): Benign. Review status: criteria provided, multiple submitters, no conflicts (2 of 4 stars). 22 submissions from 22 submitters: Benign (16). 6 of the submissions do not count toward it. Last evaluated 2026-02-04.

Conditions:
Hereditary cancer-predisposing syndrome. Also called: Hereditary Cancer Syndrome; Neoplastic Syndromes, Hereditary; Tumor predisposition; Hereditary neoplastic syndrome. Identifiers: Orphanet 140162, MedGen C0027672, MeSH D009386, MONDO:0015356.
Breast and/or ovarian cancer. Identifiers: MedGen CN221562.
Squamous cell lung carcinoma. Also called: Squamous cell carcinoma of lung; Lung cancer, squamous cell, somatic. Identifiers: MedGen C0149782, MONDO:0005097, HP:0030359.
Peutz-Jeghers syndrome (PJS). Also called: POLYPS-AND-SPOTS SYNDROME; Peutz-Jeghers polyposis; Periorificial lentiginosis syndrome; POLYPOSIS, HAMARTOMATOUS INTESTINAL. Identifiers: Orphanet 2869, MedGen C0031269, MeSH D010580, MONDO:0008280, OMIM 175200.
Malignant tumor of breast. Also called: Malignant breast neoplasm; Cancer breast. Identifiers: MedGen C0006142, MONDO:0007254. Disease mechanism: loss of function.

Allele frequency attached by ClinVar (database versions not stated): ESP Exome Variant Server 0.02084; gnomAD 0.02153 and 0.02303; 1000 Genomes Project 0.02376; TOPMed 0.02396; 1000 Genomes Project 30x 0.02670.
gnomAD v4.1: 6,859 of 1,609,288 alleles (0.43%); highest among the groups gnomAD compares: African/African-American, 7.4%; 205 homozygotes.

Submissions (22):

Labcorp Genetics (formerly Invitae), Labcorp
Classification: Benign for Peutz-Jeghers syndrome. Last evaluated: 2026-02-04. Review status: criteria provided, single submitter. Criteria: Invitae Variant Classification Sherloc (09022015). Collection method: clinical testing. Allele origin: germline.

ARUP Laboratories, Molecular Genetics and Genomics, ARUP Laboratories
Classification: Benign. Last evaluated: 2025-06-04. Review status: criteria provided, single submitter. Criteria: ARUP Molecular Germline Variant Investigation Process 2024. Collection method: clinical testing. Allele origin: germline.

Myriad Genetics, Inc.
Classification: Benign for Peutz-Jeghers syndrome. Last evaluated: 2025-03-25. Review status: criteria provided, single submitter. Criteria: Myriad Autosomal Dominant, Autosomal Recessive and X-Linked Classification Criteria (2023). Collection method: clinical testing. Allele origin: unknown.
Comment: This variant is considered benign. This variant is a silent/synonymous amino acid change and it is not expected to impact splicing.

Center for Genomic Medicine, Rigshospitalet, Copenhagen University Hospital
Classification: Benign. Last evaluated: 2025-03-04. Review status: criteria provided, single submitter. Criteria: ACMG Guidelines, 2015. Collection method: clinical testing. Allele origin: germline.

KCCC/NGS Laboratory, Kuwait Cancer Control Center
Classification: Benign for Peutz-Jeghers syndrome. Last evaluated: 2023-07-07. Review status: criteria provided, single submitter. Criteria: ACMG Guidelines, 2015. Collection method: clinical testing. Allele origin: germline. Affected: yes.

Genome-Nilou Lab
Classification: Benign for Peutz-Jeghers syndrome. Last evaluated: 2021-07-15. Review status: criteria provided, single submitter. Criteria: ACMG Guidelines, 2015. Collection method: clinical testing. Allele origin: germline. Affected: no.

CHEO Genetics Diagnostic Laboratory, Children's Hospital of Eastern Ontario
Classification: Benign for Breast and/or ovarian cancer. Last evaluated: 2021-07-07. Review status: criteria provided, single submitter. Criteria: ACMG Guidelines, 2015. Collection method: clinical testing. Allele origin: germline.

Sema4
Classification: Benign for Hereditary cancer-predisposing syndrome. Last evaluated: 2020-10-20. Review status: criteria provided, single submitter. Criteria: Sema4 Curation Guidelines. Collection method: curation. Allele origin: germline.

Illumina Laboratory Services, Illumina
Classification: Benign for Peutz-Jeghers syndrome. Last evaluated: 2018-01-13. Review status: criteria provided, single submitter. Criteria: ICSL Variant Classification Criteria 13 December 2019. Collection method: clinical testing. Allele origin: germline.
Comment: This variant was observed in the ICSL laboratory as part of a predisposition screen in an ostensibly healthy population. It had not been previously curated by ICSL or reported in the Human Gene Mutation Database (HGMD: prior to June 1st, 2018), and was therefore a candidate for classification through an automated scoring system. Utilizing variant allele frequency, disease prevalence and penetrance estimates, and inheritance mode, an automated score was calculated to assess if this variant is too frequent to cause the disease. Based on the score and internal cut-off values, a variant classified as benign is not then subjected to further curation. The score for this variant resulted in a classification of benign for this disease.

Color Diagnostics, LLC DBA Color Health
Classification: Benign for Hereditary cancer-predisposing syndrome. Last evaluated: 2015-04-08. Review status: criteria provided, single submitter. Criteria: ACMG Guidelines, 2015. Collection method: clinical testing. Allele origin: germline.

GeneDx
Classification: Benign. Last evaluated: 2015-03-03. Review status: criteria provided, single submitter. Criteria: GeneDx Variant Classification Process June 2021. Collection method: clinical testing. Allele origin: germline. Affected: yes.

Ambry Genetics
Classification: Benign for Hereditary cancer-predisposing syndrome. Last evaluated: 2014-11-18. Review status: criteria provided, single submitter. Criteria: Ambry Variant Classification Scheme 2023. Collection method: clinical testing. Allele origin: germline.

Mayo Clinic Laboratories, Mayo Clinic
Classification: Benign. Last evaluated: 2014-07-29. Review status: criteria provided, single submitter. Criteria: ACMG Guidelines, 2015. Collection method: clinical testing. Allele origin: germline. Observed: 14 variant alleles.

Eurofins Ntd Llc (ga)
Classification: Benign. Last evaluated: 2013-05-30. Review status: criteria provided, single submitter. Criteria: EGL Classification Definitions 2015. Collection method: clinical testing. Allele origin: germline. Observed: 2 variant alleles, 2 heterozygotes.

Breakthrough Genomics
Classification: Benign. Review status: criteria provided, single submitter. Criteria: ACMG Guidelines, 2015. Collection method: not provided. Allele origin: germline. Inheritance: Autosomal dominant inheritance. Affected: yes.

PreventionGenetics, part of Exact Sciences
Classification: Benign. Review status: criteria provided, single submitter. Criteria: ACMG Guidelines, 2015. Collection method: clinical testing. Allele origin: germline.

Faculté Pluridciplinaire Nador, Université Mohamed Premier
Classification: Likely benign for Squamous Cell Lung Carcinoma. Last evaluated: 2020-05-05. Review status: no assertion criteria provided. Collection method: clinical testing, in vivo. Allele origin: somatic. Affected: yes. Observed: 1 variant allele. Not counted in ClinVar's aggregate classification.

True Health Diagnostics
Classification: Likely benign for Hereditary cancer-predisposing syndrome. Last evaluated: 2018-01-03. Review status: no assertion criteria provided. Collection method: clinical testing. Allele origin: germline. Not counted in ClinVar's aggregate classification.

Clinical Genetics, Academic Medical Center
Classification: Benign. Review status: no assertion criteria provided. Collection method: clinical testing. Allele origin: germline. Affected: yes. Study: VKGL Data-share Consensus. Not counted in ClinVar's aggregate classification.

Department of Pathology and Laboratory Medicine, Sinai Health System
Classification: Benign for Malignant tumor of breast. Review status: no assertion criteria provided. Collection method: clinical testing. Allele origin: unknown. Affected: yes. Study: The Canadian Open Genetics Repository (COGR). Not counted in ClinVar's aggregate classification.
Comment: The STK11 p.Ile88= variant was not identified in the literature nor was it identified in the MutDB, LOVD 3.0, Zhejiang Colon Cancer Database, or Insight Hereditary Tumors Database. The variant was identified in the following databases: dbSNP (ID: rs56354945) as â€šÃ„ÃºWith other alleleâ€šÃ„Ã¹, ClinVar (as likely benign by Illumina and benign by Emory Genetics, Ambry Genetics, PreventionGenetics, and Invitae), Clinvitae (4x), and Cosmic. The variant was identified in control databases in 1969 of 264616 chromosomes (67 homozygous) at a frequency of 0.007441 increasing the likelihood this could be a low frequency benign variant (Genome Aggregation Database Feb 27, 2017). Observations by population include African in 1688 (66 homozygous) of 22648 chromosomes (freq: 0.07453), Other in 26 of 6226 chromosomes (freq: 0.004176), Latino in 175 (1 homozygous) of 33114 chromosomes (freq: 0.005285), European (Non-Finnish) in 76 of 120564 chromosomes (freq: 0.00063), and South Asian in 4 of 29712 chromosomes (freq: 0.000135); the variant was not observed in the Ashkenazi Jewish, East Asian, European (Finnish) populations. The p.Ile88= variant is not expected to have clinical significance because it does not result in a change of amino acid and is not located in a known consensus splice site. In addition, in silico or computational prediction software programs (SpliceSiteFinder, MaxEntScan, NNSPLICE, GeneSplicer, HumanSpliceFinder) do not predict a difference in splicing. In summary, based on the above information this variant meets our laboratory's criteria to be classified as benign.

Genome Diagnostics Laboratory, Amsterdam University Medical Center
Classification: Benign. Review status: no assertion criteria provided. Collection method: clinical testing. Allele origin: germline. Affected: yes. Study: VKGL Data-share Consensus. Not counted in ClinVar's aggregate classification.

Joint Genome Diagnostic Labs from Nijmegen and Maastricht, Radboudumc and MUMC+
Classification: Benign. Review status: no assertion criteria provided. Collection method: clinical testing. Allele origin: germline. Affected: yes. Study: VKGL Data-share Consensus. Not counted in ClinVar's aggregate classification.

Literature cited by the submitters: DOI 10.3389/fonc.2020.01215 (cited by Faculté Pluridciplinaire Nador, Université Mohamed Premier).